The following is an entry in ClinVar:

ClinVar aggregate classification (germline): Benign/Likely benign. Review status: criteria provided, multiple submitters, no conflicts (2 of 4 stars). 4 submissions from 4 submitters: Benign (2); Likely benign (2). Last evaluated 2026-01-27.

Conditions:
Tumoral calcinosis, hyperphosphatemic, familial, 3. Identifiers: MedGen C4693864, MONDO:0060715, OMIM 617994.

Allele frequency attached by ClinVar (database versions not stated): gnomAD exomes 0.00182; ExAC 0.00264; 1000 Genomes Project 30x 0.00437; 1000 Genomes Project 0.00439; gnomAD 0.00769 and 0.00849; ESP Exome Variant Server 0.00801; TOPMed 0.00839.
gnomAD v4.1: 2,347 of 1,600,160 alleles (0.15%); highest among the groups gnomAD compares: African/African-American, 2.8%; 26 homozygotes.

Submissions (4):

Labcorp Genetics (formerly Invitae), Labcorp
Classification: Benign. Last evaluated: 2026-01-27. Review status: criteria provided, single submitter. Criteria: Invitae Variant Classification Sherloc (09022015). Collection method: clinical testing. Allele origin: germline.

Mayo Clinic Laboratories, Mayo Clinic
Classification: Benign. Last evaluated: 2024-08-07. Review status: criteria provided, single submitter. Criteria: ACMG Guidelines, 2015. Collection method: clinical testing. Allele origin: germline. Observed: 2 variant alleles.
Comment: BS1, BS2, BP4

Illumina Laboratory Services, Illumina
Classification: Likely benign for Tumoral calcinosis, hyperphosphatemic, familial, 3. Last evaluated: 2017-04-27. Review status: criteria provided, single submitter. Criteria: ICSL Variant Classification Criteria 13 December 2019. Collection method: clinical testing. Allele origin: germline.
Comment: This variant was observed as part of a predisposition screen in an ostensibly healthy population. A literature search was performed for the gene, cDNA change, and amino acid change (where applicable). No publications were found based on this search. Allele frequency data from public databases allowed determination this variant is unlikely to cause disease. Therefore, this variant is classified as likely benign.

Breakthrough Genomics
Classification: Likely benign. Review status: criteria provided, single submitter. Criteria: ACMG Guidelines, 2015. Collection method: not provided. Allele origin: germline. Inheritance: Autosomal recessive inheritance. Affected: yes.

NM_004795.4(KL):c.595C>T (p.Arg199Cys)

Gene: KL (klotho; plus strand). Cytogenetic location: 13q13.1.
Variant type: single nucleotide variant.
Coding change: c.595C>T on transcript NM_004795.4 (MANE Select); coding-DNA position 595, C replaced by T.
Protein change: p.Arg199Cys; replaces arginine 199 with cysteine.
Molecular consequence: missense variant.
Genome position (GRCh38, 1-based): chr13:33,017,035, C>T. VCF-style: chr13-33017035-C-T. GRCh37 (hg19) VCF-style: chr13-33591173-C-T.
Other names: p.Arg199Cys; short protein forms R199C.
Identifiers: ClinVar variation 311686 (VCV000311686.14), dbSNP rs200063460, ClinGen allele CA6943924.